The following is an entry in ClinVar:

ClinVar aggregate classification (germline): Likely benign (0 of 4 stars; one submission).

Conditions:
TBX2-related disorder. Also called: TBX2-related condition.

Allele frequency attached by ClinVar (database versions not stated): gnomAD 0.00085; 1000 Genomes Project 0.00180; 1000 Genomes Project 30x 0.00219.
gnomAD v4.1: 209 of 1,488,184 alleles (0.014%); highest among the groups gnomAD compares: African/African-American, 0.25%; no homozygotes.

Submission:

PreventionGenetics, part of Exact Sciences
Classification: Likely benign for TBX2-related condition. Last evaluated: 2023-09-22. Review status: no assertion criteria provided. Collection method: clinical testing. Allele origin: germline.
Comment: This variant is classified as likely benign based on ACMG/AMP sequence variant interpretation guidelines (Richards et al. 2015 PMID: 25741868, with internal and published modifications).

NM_005994.4(TBX2):c.228C>A (p.His76Gln)

Gene: TBX2 (T-box transcription factor 2; plus strand). Cytogenetic location: 17q23.2.
Variant type: single nucleotide variant.
Coding change: c.228C>A on transcript NM_005994.4 (MANE Select); coding-DNA position 228, C replaced by A.
Protein change: p.His76Gln; replaces histidine 76 with glutamine.
Molecular consequence: missense variant.
Genome position (GRCh38, 1-based): chr17:61,400,404, C>A. VCF-style: chr17-61400404-C-A. GRCh37 (hg19) VCF-style: chr17-59477765-C-A.
Other names: short protein forms H76Q.
Identifiers: ClinVar variation 3055220 (VCV003055220.2), dbSNP rs549885020, ClinGen allele CA8689050.